The following is an entry in ClinVar:

NM_019108.4(SMG9):c.1290G>A (p.Leu430=)

Gene: SMG9 (SMG9 nonsense mediated mRNA decay factor; minus strand). Cytogenetic location: 19q13.31.
Variant type: single nucleotide variant.
Coding change: c.1290G>A on transcript NM_019108.4 (MANE Select); coding-DNA position 1290, G replaced by A.
Protein change: p.Leu430=; no amino-acid change (leucine 430 retained).
Molecular consequence: synonymous variant.
Genome position (GRCh38, 1-based): chr19:43,733,373, C>T on the plus strand (G>A on the coding strand, the complement: SMG9 is on the minus strand). VCF-style: chr19-43733373-C-T. GRCh37 (hg19) VCF-style: chr19-44237525-C-T.
Identifiers: ClinVar variation 713846 (VCV000713846.28), dbSNP rs144177272, ClinGen allele CA9491197.

ClinVar aggregate classification (germline): Benign/Likely benign. Review status: criteria provided, multiple submitters, no conflicts (2 of 4 stars). 3 submissions from 3 submitters: Benign (2); Likely benign (1). Last evaluated 2026-07-01.

Allele frequency attached by ClinVar (database versions not stated): 1000 Genomes Project 30x 0.00328; 1000 Genomes Project 0.00359; gnomAD 0.00375 and 0.00396; TOPMed 0.00421; ExAC 0.00429; ESP Exome Variant Server 0.00431; gnomAD exomes 0.00451 and 0.00500.
gnomAD v4.1: 7,975 of 1,614,076 alleles (0.49%); highest among the groups gnomAD compares: South Asian, 0.9%; 29 homozygotes.

Submissions (3):

CeGaT Center for Human Genetics Tuebingen
Classification: Likely benign. Last evaluated: 2026-07-01. Review status: criteria provided, single submitter. Criteria: CeGaT Center For Human Genetics Tuebingen Variant Classification Criteria Version 2. Collection method: clinical testing. Allele origin: germline. Affected: yes. Observed: 6 variant alleles.
Comment: SMG9: BP4, BP7, BS2

Labcorp Genetics (formerly Invitae), Labcorp
Classification: Benign. Last evaluated: 2019-12-31. Review status: criteria provided, single submitter. Criteria: Invitae Variant Classification Sherloc (09022015). Collection method: clinical testing. Allele origin: germline.

Breakthrough Genomics
Classification: Benign. Review status: criteria provided, single submitter. Criteria: ACMG Guidelines, 2015. Collection method: not provided. Allele origin: germline. Inheritance: Autosomal recessive inheritance. Affected: yes.